The following is an entry in ClinVar:

NM_000352.6(ABCC8):c.365T>C (p.Val122Ala)

Gene: ABCC8 (ATP binding cassette subfamily C member 8; minus strand). Cytogenetic location: 11p15.1.
Variant type: single nucleotide variant.
Coding change: c.365T>C on transcript NM_000352.6 (MANE Select); coding-DNA position 365, T replaced by C.
Protein change: p.Val122Ala; replaces valine 122 with alanine.
Molecular consequence: missense variant. On other transcripts: non-coding transcript variant (1).
Genome position (GRCh38, 1-based): chr11:17,470,148, A>G on the plus strand (T>C on the coding strand, the complement: ABCC8 is on the minus strand). VCF-style: chr11-17470148-A-G. GRCh37 (hg19) VCF-style: chr11-17491695-A-G.
Other names: c.365T>C, p.Val122Ala (NM_001287174.3, NM_001351295.2, NM_001351296.2 and 1 more transcripts); short protein forms V122A.
Identifiers: ClinVar variation 3635876 (VCV003635876.2).

ClinVar aggregate classification (germline): Uncertain significance (1 of 4 stars; one submission).

Submission:

Labcorp Genetics (formerly Invitae), Labcorp
Classification: Uncertain significance. Last evaluated: 2024-12-17. Review status: criteria provided, single submitter. Criteria: Invitae Variant Classification Sherloc (09022015). Collection method: clinical testing. Allele origin: germline.
Comment: This sequence change replaces valine, which is neutral and non-polar, with alanine, which is neutral and non-polar, at codon 122 of the ABCC8 protein (p.Val122Ala). This variant is not present in population databases (gnomAD no frequency). This variant has not been reported in the literature in individuals affected with ABCC8-related conditions. Invitae Evidence Modeling of protein sequence and biophysical properties (such as structural, functional, and spatial information, amino acid conservation, physicochemical variation, residue mobility, and thermodynamic stability) indicates that this missense variant is expected to disrupt ABCC8 protein function with a positive predictive value of 80%. In summary, the available evidence is currently insufficient to determine the role of this variant in disease. Therefore, it has been classified as a Variant of Uncertain Significance.